The following is an entry in ClinVar:

ClinVar aggregate classification (germline): Likely pathogenic. Review status: criteria provided, single submitter (1 of 4 stars). 2 submissions from 2 submitters: Likely pathogenic (1). 1 of the submissions does not count toward it. Last evaluated 2023-10-13.

Conditions:
INO80-related immunodeficiency.
Primary microcephaly. Also called: Congenital microcephaly. Identifiers: MedGen C2677180, HP:0011451.
Intellectual disability. Also called: Intellectual functioning disability; intellectual disabilities; Intellectual developmental disorder. Identifiers: MedGen C3714756, MeSH D008607, MONDO:0001071, HP:0001249.
Seizure. Also called: Seizures. Identifiers: MedGen C0036572, HP:0001250.

Allele frequency attached by ClinVar (database versions not stated): ExAC 0.00028; gnomAD exomes 0.00031 and 0.00014; 1000 Genomes Project 30x 0.00109; TOPMed 0.00091; ESP Exome Variant Server 0.00054; gnomAD 0.00086; 1000 Genomes Project 0.00100.

Submissions (2):

3billion
Classification: Likely pathogenic for INO80-related immunodeficiency. Last evaluated: 2023-10-13. Review status: criteria provided, single submitter. Criteria: ACMG Guidelines, 2015. Collection method: clinical testing. Allele origin: germline. Affected: yes.
Comment: The variant is observed at an extremely low frequency in the gnomAD v2.1.1 dataset (total allele frequency: 0.035%). Predicted Consequence/Location: Missense changes are a common disease-causing mechanism. In silico tool predictions suggest damaging effect of the variant on gene or gene product [REVEL: 0.72 (>=0.6, sensitivity 0.68 and specificity 0.92)]. Same nucleotide change resulting in same amino acid change has been previously reported to be associated with INO80 related disorder (ClinVar ID: VCV000183320 /PMID: 25558065).The variant has been reported to be in trans with a pathogenic variant as either compound heterozygous or homozygous in at least one similarly affected unrelated individual (PMID: 25558065). Therefore, this variant is classified as Likely pathogenic according to the recommendation of ACMG/AMP guideline.

Genomic Medicine Center of Excellence, King Faisal Specialist Hospital and Research Centre
Classification: Likely pathogenic for Intellectual disability; Epilepsy; Primary microcephaly. Last evaluated: 2014-12-01. Review status: no assertion criteria provided. Criteria: research. Collection method: research. Allele origin: germline. Affected: yes. Not counted in ClinVar's aggregate classification.

Literature cited by the submitters: PubMed 25558065 (cited by 3billion and Genomic Medicine Center of Excellence, King Faisal Specialist Hospital and Research Centre).

NM_017553.3(INO80):c.3737G>A (p.Arg1246Gln)

Gene: INO80 (INO80 complex ATPase subunit; minus strand). Cytogenetic location: 15q15.1.
Variant type: single nucleotide variant.
Coding change: c.3737G>A on transcript NM_017553.3 (MANE Select); coding-DNA position 3737, G replaced by A.
Protein change: p.Arg1246Gln; replaces arginine 1246 with glutamine.
Molecular consequence: missense variant. On other transcripts: non-coding transcript variant (1).
Genome position (GRCh38, 1-based): chr15:40,987,186, C>T on the plus strand (G>A on the coding strand, the complement: INO80 is on the minus strand). VCF-style: chr15-40987186-C-T. GRCh37 (hg19) VCF-style: chr15-41279384-C-T.
Other names: short protein forms R1246Q.
Identifiers: ClinVar variation 183320 (VCV000183320.2), dbSNP rs199722402, ClinGen allele CA249947.
Genomic context (GRCh38, chr15:40,987,186, plus strand): 5'-CTAACCACCTCTTTGGGTTTCAAGGTATCTGGTTTGAAGTTCCCACCTGAAATCACCATC[C>T]GCTGAATCTACACCAAAGCAGATCAAAATGTCACCTCCAGGCATCCATTCCCTTATGGCA-3'
Protein context (NP_060023.1, residues 1236-1256): QRAKEKSEIQ[Arg1246Gln]MVISGGNFKP